The following is an entry in ClinVar:

ClinVar aggregate classification (germline): Likely benign (0 of 4 stars; one submission).

Conditions:
RPGR-related disorder. Also called: RPGR-related condition.

Allele frequency attached by ClinVar (database versions not stated): gnomAD 0.00001; TOPMed 0.00001.

Submission:

PreventionGenetics, part of Exact Sciences
Classification: Likely benign for RPGR-related condition. Last evaluated: 2024-01-11. Review status: no assertion criteria provided. Collection method: clinical testing. Allele origin: germline.
Comment: This variant is classified as likely benign based on ACMG/AMP sequence variant interpretation guidelines (Richards et al. 2015 PMID: 25741868, with internal and published modifications).

NM_001034853.2(RPGR):c.248-15T>C

Gene: RPGR (retinitis pigmentosa GTPase regulator; minus strand). Cytogenetic location: Xp11.4.
Variant type: single nucleotide variant.
Coding change: c.248-15T>C on transcript NM_001034853.2 (MANE Select); 15 bases into the intron before coding-DNA position 248, T replaced by C.
Molecular consequence: intron variant.
Genome position (GRCh38, 1-based): chrX:38,321,104, A>G on the plus strand (T>C on the coding strand, the complement: RPGR is on the minus strand). VCF-style: chrX-38321104-A-G. GRCh37 (hg19) VCF-style: chrX-38180357-A-G.
Other names: c.248-15T>C (NM_001367251.1, NM_001367246.1, NM_001367247.1 and 4 more transcripts); c.278-15T>C (NM_001367248.1).
Identifiers: ClinVar variation 3033617 (VCV003033617.2), dbSNP rs1206905471, ClinGen allele CA875154956.